The following is an entry in ClinVar:

NM_000137.4(FAH):c.82-19G>A

Gene: FAH (fumarylacetoacetate hydrolase; plus strand). Cytogenetic location: 15q25.1.
Variant type: single nucleotide variant.
Coding change: c.82-19G>A on transcript NM_000137.4 (MANE Select); 19 bases into the intron before coding-DNA position 82, G replaced by A.
Molecular consequence: intron variant.
Genome position (GRCh38, 1-based): chr15:80,158,041, G>A. VCF-style: chr15-80158041-G-A. GRCh37 (hg19) VCF-style: chr15-80450383-G-A.
Other names: p.?; c.82-19G>A (NM_001374377.1, NM_001374380.1, NM_000137.3).
Identifiers: ClinVar variation 380447 (VCV000380447.13), dbSNP rs75733859, ClinGen allele CA7691014.

ClinVar aggregate classification (germline): Benign/Likely benign. Review status: criteria provided, multiple submitters, no conflicts (2 of 4 stars). 5 submissions from 5 submitters: Benign (4); Likely benign (1). Last evaluated 2026-01-30.

Conditions:
Tyrosinemia type I (TYRSN1). Also called: Tyrosinemia type 1; Fumarylacetoacetase deficiency; HEPATORENAL TYROSINEMIA; Deficiency of fumarylacetoacetase; FAH DEFICIENCY. Identifiers: Orphanet 882, MedGen C0268490, MONDO:0010161, OMIM 276700. Disease mechanism: loss of function.

Allele frequency attached by ClinVar (database versions not stated): gnomAD exomes 0.00141 and 0.00319; ExAC 0.00328; ESP Exome Variant Server 0.00892; gnomAD 0.00894 and 0.00966; 1000 Genomes Project 0.00958; 1000 Genomes Project 30x 0.00984; TOPMed 0.01073.
gnomAD v4.1: 3,511 of 1,588,158 alleles (0.22%); highest among the groups gnomAD compares: African/African-American, 2.8%; 49 homozygotes.

Submissions (5):

Labcorp Genetics (formerly Invitae), Labcorp
Classification: Benign for Tyrosinemia type I. Last evaluated: 2026-01-30. Review status: criteria provided, single submitter. Criteria: Invitae Variant Classification Sherloc (09022015). Collection method: clinical testing. Allele origin: germline.

Genomic Medicine Center of Excellence, King Faisal Specialist Hospital and Research Centre
Classification: Likely benign. Last evaluated: 2025-08-18. Review status: criteria provided, single submitter. Criteria: ACMG Guidelines, 2015. Collection method: clinical testing. Allele origin: germline.

Mayo Clinic Laboratories, Mayo Clinic
Classification: Benign. Last evaluated: 2021-04-27. Review status: criteria provided, single submitter. Criteria: ACMG Guidelines, 2015. Collection method: clinical testing. Allele origin: germline. Observed: 10 variant alleles.

GeneDx
Classification: Benign. Last evaluated: 2016-03-08. Review status: criteria provided, single submitter. Criteria: GeneDx Variant Classification (06012015). Collection method: clinical testing. Allele origin: germline. Affected: yes.
Comment: This variant is considered likely benign or benign based on one or more of the following criteria: it is a conservative change, it occurs at a poorly conserved position in the protein, it is predicted to be benign by multiple in silico algorithms, and/or has population frequency not consistent with disease.

Breakthrough Genomics
Classification: Benign. Review status: criteria provided, single submitter. Criteria: ACMG Guidelines, 2015. Collection method: not provided. Allele origin: germline. Inheritance: Autosomal recessive inheritance. Affected: yes.